The following is an entry in ClinVar:

NM_004526.4(MCM2):c.808A>G (p.Met270Val)

Gene: MCM2 (minichromosome maintenance complex component 2; plus strand). Cytogenetic location: 3q21.3.
Variant type: single nucleotide variant.
Coding change: c.808A>G on transcript NM_004526.4 (MANE Select); coding-DNA position 808, A replaced by G.
Protein change: p.Met270Val; replaces methionine 270 with valine.
Molecular consequence: missense variant. On other transcripts: non-coding transcript variant (1).
Genome position (GRCh38, 1-based): chr3:127,606,252, A>G. VCF-style: chr3-127606252-A-G. GRCh37 (hg19) VCF-style: chr3-127325095-A-G.
Other names: short protein forms M270V.
Identifiers: ClinVar variation 5002148 (VCV005002148.1).

ClinVar aggregate classification (germline): Uncertain significance (1 of 4 stars; one submission).

Conditions:
MCM2-related disorder. Also called: MCM2-related condition.

Submission:

PreventionGenetics, part of Exact Sciences
Classification: Uncertain significance for MCM2-related condition. Last evaluated: 2025-02-10. Review status: criteria provided, single submitter. Criteria: ACMG Guidelines, 2015. Collection method: clinical testing. Allele origin: germline.
Comment: The MCM2 c.808A>G variant is predicted to result in the amino acid substitution p.Met270Val. To our knowledge, this variant has not been reported in the literature. This variant is reported in 0.00088% of alleles in individuals of European (Non-Finnish) descent in gnomAD. At this time, the clinical significance of this variant is uncertain due to the absence of conclusive functional and genetic evidence.